The following is an entry in ClinVar:

ClinVar aggregate classification (germline): Uncertain significance (1 of 4 stars; one submission).

Conditions:
Familial hypobetalipoproteinemia 1. Also called: APOB-Related Familial Hypobetalipoproteinemia; Hypobetalipoproteinemia, normotriglyceridemic; Acanthocytosis with hypobetalipoproteinemia. Identifiers: MedGen C4551990, MONDO:0014252, OMIM 615558.
Hypercholesterolemia, autosomal dominant, type B (FHCL2). Also called: Familial Hypercholesterolemia Type B; APOLIPOPROTEIN B-100, FAMILIAL DEFECTIVE; APOLIPOPROTEIN B-100, FAMILIAL LIGAND-DEFECTIVE; HYPERCHOLESTEROLEMIA, FAMILIAL, DUE TO LIGAND-DEFECTIVE APOLIPOPROTEIN B; Hyperlipoproteinemia Type IIb; Familial hypercholesterolemia 2. Identifiers: MedGen C1704417, MONDO:0007751, OMIM 144010.

Submission:

Labcorp Genetics (formerly Invitae), Labcorp
Classification: Uncertain significance for Familial hypobetalipoproteinemia 1; Hypercholesterolemia, autosomal dominant, type B. Last evaluated: 2025-04-07. Review status: criteria provided, single submitter. Criteria: Invitae Variant Classification Sherloc (09022015). Collection method: clinical testing. Allele origin: germline.
Comment: This sequence change replaces alanine, which is neutral and non-polar, with aspartic acid, which is acidic and polar, at codon 685 of the APOB protein (p.Ala685Asp). This variant is not present in population databases (gnomAD no frequency). This variant has not been reported in the literature in individuals affected with APOB-related conditions. ClinVar contains an entry for this variant (Variation ID: 3751567). Invitae Evidence Modeling of protein sequence and biophysical properties (such as structural, functional, and spatial information, amino acid conservation, physicochemical variation, residue mobility, and thermodynamic stability) indicates that this missense variant is not expected to disrupt APOB protein function with a negative predictive value of 95%. In summary, the available evidence is currently insufficient to determine the role of this variant in disease. Therefore, it has been classified as a Variant of Uncertain Significance.

NM_000384.3(APOB):c.2054C>A (p.Ala685Asp)

Gene: APOB (apolipoprotein B; minus strand). Cytogenetic location: 2p24.1.
Variant type: single nucleotide variant.
Coding change: c.2054C>A on transcript NM_000384.3 (MANE Select); coding-DNA position 2054, C replaced by A.
Protein change: p.Ala685Asp; replaces alanine 685 with aspartic acid.
Molecular consequence: missense variant.
Genome position (GRCh38, 1-based): chr2:21,027,841, G>T on the plus strand (C>A on the coding strand, the complement: APOB is on the minus strand). VCF-style: chr2-21027841-G-T. GRCh37 (hg19) VCF-style: chr2-21250713-G-T.
Other names: short protein forms A685D.
Identifiers: ClinVar variation 3751567 (VCV003751567.2), dbSNP rs1663772556.